The following is an entry in ClinVar:

ClinVar aggregate classification (germline): Conflicting classifications of pathogenicity. Review status: criteria provided, conflicting classifications (1 of 4 stars). 3 submissions from 3 submitters: Uncertain significance (1); Likely benign (1). 1 of the submissions does not count toward it. Last evaluated 2022-05-05.

Conditions:
Intellectual developmental disorder, autosomal dominant 45. Also called: MENTAL RETARDATION, AUTOSOMAL DOMINANT 45; Intellectual disability, autosomal dominant 45. Identifiers: MedGen C4539848, MONDO:0030910, OMIM 617600.

Allele frequency attached by ClinVar (database versions not stated): gnomAD 0.00003; ExAC 0.00011; gnomAD exomes 0.00011; TOPMed 0.00014.
gnomAD v4.1: 87 of 1,613,610 alleles (0.0054%); highest among the groups gnomAD compares: East Asian, 0.12%; no homozygotes.

Submissions (3):

Department of Pathology and Laboratory Medicine, Sinai Health System
Classification: Likely benign for intellectual disability, autosomal dominant 45. Last evaluated: 2022-05-05. Review status: criteria provided, single submitter. Criteria: ACMG Guidelines, 2015. Collection method: research. Allele origin: germline.

Revvity Omics, Revvity
Classification: Uncertain significance for Intellectual developmental disorder, autosomal dominant 45. Last evaluated: 2020-02-07. Review status: criteria provided, single submitter. Criteria: ACMG Guidelines, 2015. Collection method: clinical testing. Allele origin: germline.

ITMI
No classification provided. Condition: AllHighlyPenetrant. Last evaluated: 2013-09-19. Review status: no classification provided. Collection method: reference population. Allele origin: germline. Not counted in ClinVar's aggregate classification.
Comment: Please see associated publication for description of ethnicities

Literature cited by the submitters: PubMed 24728327 (cited by ITMI).

NM_001386298.1(CIC):c.4928C>T (p.Ser1643Leu)

Genes: CIC (capicua transcriptional repressor; plus strand), LOC130064572 (ATAC-STARR-seq lymphoblastoid silent region 10705; plus strand). Cytogenetic location: 19q13.2.
Variant type: single nucleotide variant.
Coding change: c.4928C>T on transcript NM_001386298.1 (MANE Select); coding-DNA position 4928, C replaced by T.
Protein change: p.Ser1643Leu; replaces serine 1643 with leucine.
Molecular consequence: missense variant.
Genome position (GRCh38, 1-based): chr19:42,290,969, C>T. VCF-style: chr19-42290969-C-T. GRCh37 (hg19) VCF-style: chr19-42795121-C-T.
Other names: c.2201C>T (NM_015125.4); c.4928C>T, p.Ser1643Leu (NM_001304815.2, NM_001379480.1, NM_001379482.1); c.2201C>T, p.Ser734Leu (NM_001379484.1, NM_001379485.1, NM_015125.5); short protein forms S734L, S1643L.
Identifiers: ClinVar variation 133898 (VCV000133898.5), dbSNP rs587778197, ClinGen allele CA158114.